The following is an entry in ClinVar:

ClinVar aggregate classification (germline): Pathogenic. Review status: criteria provided, multiple submitters, no conflicts (2 of 4 stars). 3 submissions from 3 submitters: Pathogenic (2). 1 of the submissions does not count toward it. Last evaluated 2025-08-04.

Conditions:
Roberts-SC phocomelia syndrome (RBS). Also called: Hypomelia hypotrichosis facial hemangioma syndrome; LONG BONE DEFICIENCIES ASSOCIATED WITH CLEFT LIP-PALATE; Pseudothalidomide syndrome; Appelt-Gerken-Lenz syndrome; ESCO2 Spectrum Disorder. Identifiers: Orphanet 3103, MedGen C0392475, MONDO:0100253, OMIM 268300.

Submissions (3):

Natera, Inc.
Classification: Pathogenic for Roberts syndrome. Last evaluated: 2025-08-04. Review status: criteria provided, single submitter. Criteria: Natera Variant Classification Schema (03/2026). Collection method: clinical testing. Allele origin: germline.
Comment: The c.745_746delGT variant in ESCO2 is a frameshift variant predicted to shift the reading frame beginning at codon 249 and leads to a stop codon 2 codons downstream. This variant is expected to result in nonsense mediated decay, truncation, or a dysfunctional protein product. This variant is rare in the general population with a frequency below the threshold expected for the associated phenotype(s). This variant has been observed in one or more individuals affected with the associated recessive disease, as either homozygous or compound heterozygous with a second variant (PMID: 26193234, 16775838). Given the available evidence, this variant is classified as Pathogenic.

Labcorp Genetics (formerly Invitae), Labcorp
Classification: Pathogenic. Last evaluated: 2023-01-28. Review status: criteria provided, single submitter. Criteria: Invitae Variant Classification Sherloc (09022015). Collection method: clinical testing. Allele origin: germline.
Comment: For these reasons, this variant has been classified as Pathogenic. ClinVar contains an entry for this variant (Variation ID: 21246). This premature translational stop signal has been observed in individual(s) with ESCO2-related conditions (PMID: 16775838). This variant is not present in population databases (gnomAD no frequency). This sequence change creates a premature translational stop signal (p.Val249Glnfs*2) in the ESCO2 gene. It is expected to result in an absent or disrupted protein product. Loss-of-function variants in ESCO2 are known to be pathogenic (PMID: 15821733, 16380922).

GeneReviews
No classification provided. Condition: Roberts-SC phocomelia syndrome. Review status: no classification provided. Collection method: literature only. Allele origin: unknown. Not counted in ClinVar's aggregate classification.

Literature cited by the submitters: PubMed 26193234 (cited by Natera, Inc.); PubMed 16775838 (cited by 3 submitters); PubMed 15821733 (cited by Labcorp Genetics (formerly Invitae), Labcorp); PubMed 16380922 (cited by Labcorp Genetics (formerly Invitae), Labcorp); PubMed 20301332 (cited by GeneReviews); NCBI Bookshelf NBK1153 (cited by GeneReviews).

NM_001017420.3(ESCO2):c.745_746del (p.Val249fs)

Gene: ESCO2 (establishment of sister chromatid cohesion N-acetyltransferase 2; plus strand). Cytogenetic location: 8p21.1.
Variant type: Deletion.
Coding change: c.745_746del on transcript NM_001017420.3 (MANE Select); coding-DNA positions 745 to 746, 2 bases deleted (GT; older notation c.745_746delGT).
Protein change: p.Val249fs; shifts the reading frame from valine 249.
Molecular consequence: frameshift variant.
Genome position (GRCh38, 1-based): chr8:27,777,053-27,777,054, GT deleted; deleting any 2 consecutive bases within chr8:27,777,052-27,777,054 gives the same sequence; the c. name uses the placement nearest the transcript's 3' end. VCF-style (leftmost placement, unchanged base first): chr8-27777051-CTG-C. GRCh37 (hg19) VCF-style: chr8-27634568-CTG-C.
Other names: short protein forms V249fs.
Identifiers: ClinVar variation 21246 (VCV000021246.7), dbSNP rs80359851, ClinGen allele CA341792.